The following is an entry in ClinVar:

NM_001267550.2(TTN):c.31548G>A (p.Glu10516=)

Gene: TTN (titin; minus strand). Cytogenetic location: 2q31.2.
Variant type: single nucleotide variant.
Coding change: c.31548G>A on transcript NM_001267550.2 (MANE Select); coding-DNA position 31548, G replaced by A.
Protein change: p.Glu10516=; no amino-acid change (glutamic acid 10516 retained).
Molecular consequence: synonymous variant. On other transcripts: intron variant (3).
Genome position (GRCh38, 1-based): chr2:178,693,655, C>T on the plus strand (G>A on the coding strand, the complement: TTN is on the minus strand). VCF-style: chr2-178693655-C-T. GRCh37 (hg19) VCF-style: chr2-179558382-C-T.
Other names: c.30597G>A, p.Glu10199= (NM_001256850.1); c.27816G>A, p.Glu9272= (NM_133378.4); c.13282+44427G>A (NM_003319.4); c.13858+44427G>A (NM_133437.4); c.13657+44427G>A (NM_133432.3).
Identifiers: ClinVar variation 772807 (VCV000772807.9), dbSNP rs777887659, ClinGen allele CA1998916.

ClinVar aggregate classification (germline): Conflicting classifications of pathogenicity. Review status: criteria provided, conflicting classifications (1 of 4 stars). 6 submissions from 2 submitters: Uncertain significance (3); Likely benign (3). Last evaluated 2024-10-05.

Conditions:
Autosomal recessive limb-girdle muscular dystrophy type 2J (LGMDR10). Also called: MUSCULAR DYSTROPHY, LIMB-GIRDLE, AUTOSOMAL RECESSIVE 10; Limb-girdle muscular dystrophy, type 2J. Identifiers: Orphanet 140922, MedGen C1837342, MONDO:0012127, OMIM 608807.
Dilated cardiomyopathy 1G (CMD1G). Identifiers: Orphanet 154, MedGen C1858763, MONDO:0011400, OMIM 604145.
Tibial muscular dystrophy (TMD). Also called: UDD MYOPATHY; Udd Distal Myopathy – Tibial Muscular Dystrophy; Tibial muscular dystrophy, tardive. Identifiers: Orphanet 609, MedGen C1838244, MONDO:0010870, OMIM 600334.
Myopathy, myofibrillar, 9, with early respiratory failure (MFM9). Also called: MYOPATHY, PROXIMAL, WITH EARLY RESPIRATORY MUSCLE INVOLVEMENT; Hereditary myopathy with early respiratory failure; EDSTROM MYOPATHY; Myopathy, distal, with early respiratory failure, autosomal dominant. Identifiers: Orphanet 178464, Orphanet 34521, MedGen C1863599, MONDO:0011362, OMIM 603689.
Early-onset myopathy with fatal cardiomyopathy (CMYO5). Also called: CONGENITAL MYOPATHY 5 WITH CARDIOMYOPATHY; Salih Myopathy. Identifiers: Orphanet 289377, MedGen C2673677, MONDO:0012714, OMIM 611705. Disease mechanism: loss of function.

Allele frequency attached by ClinVar (database versions not stated): gnomAD below 0.00001 and 0.00001; gnomAD exomes 0.00002 and 0.00003; ExAC 0.00004.
gnomAD v4.1: 30 of 1,599,208 alleles (0.0019%); highest among the groups gnomAD compares: South Asian, 0.032%; no homozygotes.

Submissions (6):

Labcorp Genetics (formerly Invitae), Labcorp
Classification: Likely benign for Dilated cardiomyopathy 1G; Autosomal recessive limb-girdle muscular dystrophy type 2J. Last evaluated: 2024-10-05. Review status: criteria provided, single submitter. Criteria: Invitae Variant Classification Sherloc (09022015). Collection method: clinical testing. Allele origin: germline.

Illumina Laboratory Services, Illumina
Classification: Likely benign for Myopathy, myofibrillar, 9, with early respiratory failure. Last evaluated: 2018-01-12. Review status: criteria provided, single submitter. Criteria: ICSL Variant Classification Criteria 13 December 2019. Collection method: clinical testing. Allele origin: germline.
Comment: This variant was observed in the ICSL laboratory as part of a predisposition screen in an ostensibly healthy population. It had not been previously curated by ICSL or reported in the Human Gene Mutation Database (HGMD: prior to June 1st, 2018), and was therefore a candidate for classification through an automated scoring system. Utilizing variant allele frequency, disease prevalence and penetrance estimates, and inheritance mode, an automated score was calculated to assess if this variant is too frequent to cause the disease. Based on the score and internal cut-off values, a variant classified as likely benign is not then subjected to further curation. The score for this variant resulted in a classification of likely benign for this disease.

Illumina Laboratory Services, Illumina
Classification: Uncertain significance for Autosomal recessive limb-girdle muscular dystrophy type 2J. Last evaluated: 2018-01-12. Review status: criteria provided, single submitter. Criteria: ICSL Variant Classification Criteria 13 December 2019. Collection method: clinical testing. Allele origin: germline.

Illumina Laboratory Services, Illumina
Classification: Uncertain significance for Early-onset myopathy with fatal cardiomyopathy. Last evaluated: 2018-01-12. Review status: criteria provided, single submitter. Criteria: ICSL Variant Classification Criteria 13 December 2019. Collection method: clinical testing. Allele origin: germline.

Illumina Laboratory Services, Illumina
Classification: Likely benign for Tibial muscular dystrophy. Last evaluated: 2018-01-12. Review status: criteria provided, single submitter. Criteria: ICSL Variant Classification Criteria 13 December 2019. Collection method: clinical testing. Allele origin: germline.
Comment: the same text as in the submission from Illumina Laboratory Services, Illumina above.

Illumina Laboratory Services, Illumina
Classification: Uncertain significance for Dilated cardiomyopathy 1G. Last evaluated: 2018-01-12. Review status: criteria provided, single submitter. Criteria: ICSL Variant Classification Criteria 13 December 2019. Collection method: clinical testing. Allele origin: germline.